The following is an entry in ClinVar:

NM_001136193.2(FASTKD2):c.1115-1G>T

Gene: FASTKD2 (FAST kinase domains 2; plus strand). Cytogenetic location: 2q33.3.
Variant type: single nucleotide variant.
Coding change: c.1115-1G>T on transcript NM_001136193.2 (MANE Select); the canonical splice acceptor site of the intron before coding-DNA position 1115, G replaced by T.
Molecular consequence: splice acceptor variant.
Genome position (GRCh38, 1-based): chr2:206,772,180, G>T. VCF-style: chr2-206772180-G-T. GRCh37 (hg19) VCF-style: chr2-207636904-G-T.
Other names: c.1115-1G>T (NM_001136194.2, NM_014929.4).
Identifiers: ClinVar variation 3901532 (VCV003901532.2).
Genomic context (GRCh38, chr2:206,772,180, plus strand): 5'-AGCATGTTGTATTCAAAACAATCAGGTAATTTTTGTTTGTTTATTTAACTCATTCTTCAA[G>T]ATAATATCCATGGGTGTCCTTTAAGAATAATGATCAACATATTGCAGTCCTGCAAAGACC-3'

ClinVar aggregate classification (germline): Pathogenic (1 of 4 stars; one submission).

Submission:

GeneDx
Classification: Pathogenic. Last evaluated: 2025-12-09. Review status: criteria provided, single submitter. Criteria: GeneDx Variant Classification Process June 2021. Collection method: clinical testing. Allele origin: germline. Affected: yes.
Comment: Canonical splice site variant predicted to result in a null allele in a gene for which loss of function is a known mechanism of disease; Not observed at significant frequency in large population cohorts (gnomAD); Has not been previously published as pathogenic or benign to our knowledge